The following is an entry in ClinVar:

NM_016151.4(TAOK2):c.1572G>A (p.Leu524=)

Gene: TAOK2 (TAO kinase 2; plus strand). Cytogenetic location: 16p11.2.
Variant type: single nucleotide variant.
Coding change: c.1572G>A on transcript NM_016151.4 (MANE Select); coding-DNA position 1572, G replaced by A.
Protein change: p.Leu524=; no amino-acid change (leucine 524 retained).
Molecular consequence: synonymous variant.
Genome position (GRCh38, 1-based): chr16:29,985,362, G>A. VCF-style: chr16-29985362-G-A. GRCh37 (hg19) VCF-style: chr16-29996683-G-A.
Other names: c.1572G>A, p.Leu524= (NM_001252043.2, NM_004783.4).
Identifiers: ClinVar variation 784335 (VCV000784335.14), dbSNP rs79799790, ClinGen allele CA7998170.
Genomic context (GRCh38, chr16:29,985,362, plus strand): 5'-GCAGCTGCTGGCCCTGGAGTCACGGCTGAGGGGTGAACGGGAGGAGCACAGTGCACGGCT[G>A]CAGCGGGAGCTTGAGGCGCAGCGGGCTGGCTTTGGGGCAGAGGCAGAAAAGCTGGCCCGG-3'
Protein context (NP_057235.2, residues 514-534): RGEREEHSAR[Leu524=]QRELEAQRAG

ClinVar aggregate classification (germline): Benign. Review status: criteria provided, multiple submitters, no conflicts (2 of 4 stars). 3 submissions from 3 submitters: Benign (2). 1 of the submissions does not count toward it. Last evaluated 2026-01-27.

Conditions:
TAOK2-related disorder. Also called: TAOK2-related condition.

Allele frequency attached by ClinVar (database versions not stated): gnomAD exomes 0.00164 and 0.00429; ExAC 0.00586; 1000 Genomes Project 0.01338; 1000 Genomes Project 30x 0.01577; gnomAD 0.01651 and 0.01784; TOPMed 0.01863; ESP Exome Variant Server 0.01994.
gnomAD v4.1: 4,970 of 1,611,276 alleles (0.31%); highest among the groups gnomAD compares: African/African-American, 5.9%; 140 homozygotes.

Submissions (3):

Labcorp Genetics (formerly Invitae), Labcorp
Classification: Benign. Last evaluated: 2026-01-27. Review status: criteria provided, single submitter. Criteria: Invitae Variant Classification Sherloc (09022015). Collection method: clinical testing. Allele origin: germline.

Breakthrough Genomics
Classification: Benign. Review status: criteria provided, single submitter. Criteria: ACMG Guidelines, 2015. Collection method: not provided. Allele origin: germline. Inheritance: Unknown mechanism. Affected: yes.

PreventionGenetics, part of Exact Sciences
Classification: Benign for TAOK2-related condition. Last evaluated: 2019-03-21. Review status: no assertion criteria provided. Collection method: clinical testing. Allele origin: germline. Not counted in ClinVar's aggregate classification.
Comment: This variant is classified as benign based on ACMG/AMP sequence variant interpretation guidelines (Richards et al. 2015 PMID: 25741868, with internal and published modifications).